The following is an entry in ClinVar:

NM_003873.7(NRP1):c.981+5G>A

Gene: NRP1 (neuropilin 1; minus strand). Cytogenetic location: 10p11.22.
Variant type: single nucleotide variant.
Coding change: c.981+5G>A on transcript NM_003873.7 (MANE Select); 5 bases into the intron after coding-DNA position 981, G replaced by A.
Molecular consequence: intron variant.
Genome position (GRCh38, 1-based): chr10:33,254,023, C>T on the plus strand (G>A on the coding strand, the complement: NRP1 is on the minus strand). VCF-style: chr10-33254023-C-T. GRCh37 (hg19) VCF-style: chr10-33542951-C-T.
Other names: c.981+5G>A (NM_001244973.2, NM_001244972.2, NM_001330068.2 and 2 more transcripts).
Identifiers: ClinVar variation 3344883 (VCV003344883.1).
Genomic context (GRCh38, chr10:33,254,023, plus strand): 5'-AACAACCTCTCTAGATGGTCAAAAACTTATTCAATCCTAGATAGGCTTGATCTTATGCTG[C>T]ATACCTGTATCCACTCTCGGTAGGAATCCTCTCCGGGAGTCCACCCATTCTCAGGGTAGT-3'

ClinVar aggregate classification (germline): Likely benign (0 of 4 stars; one submission).

Conditions:
NRP1-related disorder. Also called: NRP1-related condition.

Submission:

PreventionGenetics, part of Exact Sciences
Classification: Likely benign for NRP1-related condition. Last evaluated: 2024-08-14. Review status: no assertion criteria provided. Collection method: clinical testing. Allele origin: germline.
Comment: This variant is classified as likely benign based on ACMG/AMP sequence variant interpretation guidelines (Richards et al. 2015 PMID: 25741868, with internal and published modifications).